The following is an entry in ClinVar:

ClinVar aggregate classification (germline): Pathogenic (1 of 4 stars; one submission).

Submission:

GeneDx
Classification: Pathogenic. Last evaluated: 2017-04-28. Review status: criteria provided, single submitter. Criteria: GeneDx Variant Classification (06012015). Collection method: clinical testing. Allele origin: germline. Affected: yes.
Comment: The c.35_36delGCinsCT pathogenic variant in the HRAS gene has not been previously reported to our knowledge. The c.35_36delGCinsCT deletion/insertion causes a missense variant at codon Glycine 12, changing this amino acid to an Alanine residue, G12A, which has been reported previously in association with disorders in the Noonan syndrome spectrum (Niihori et al., 2011). The c.35_36delGCinsCT variant was not observed in approximately 6,500 individuals of European and African American ancestry in the NHLBI Exome Sequencing Project, indicating it is not a common benign variant in these populations. The G12A substitution occurs at a position within the nucleotide binding domain that is conserved across species, and in silico analysis predicts this variant is probably damaging to the protein structure/function. Missense variants in the same residue (G12S/C/V/D/E) and in a nearby residue (G13C/D) have been reported in the Human Gene Mutation Database in association with disorders in the Noonan syndrome spectrum (Stenson et al., 2014), supporting the functional importance of this region of the protein. Additionally, HRAS has a low rate of benign missense variation and missense variants are a common mechanism of disease in this gene. This variant has also been observed de novo (assumed).

NM_005343.4(HRAS):c.35_36delinsCT (p.Gly12Ala)

Genes: HRAS (HRas proto-oncogene, GTPase; minus strand), LRRC56 (leucine rich repeat containing 56; plus strand). Cytogenetic location: 11p15.5.
Variant type: Indel.
Coding change: c.35_36delinsCT on transcript NM_005343.4 (MANE Select); coding-DNA positions 35 to 36, GC replaced by CT.
Protein change: p.Gly12Ala; replaces glycine 12 with alanine.
Molecular consequence: missense variant. On other transcripts: 5 prime UTR variant (1).
Genome position (GRCh38, 1-based): chr11:534,287-534,288, GC replaced by AG on the plus strand (GC replaced by CT on the coding strand, the reverse complement: HRAS is on the minus strand). VCF-style: chr11-534287-GC-AG. GRCh37 (hg19) VCF-style: chr11-534287-GC-AG.
Other names: p.G12A:GGC>GCT; c.35_36delinsCT, p.Gly12Ala (NM_001130442.3, NM_176795.5); c.-285_-284delinsCT (NM_001318054.2); short protein forms G12A.
Identifiers: ClinVar variation 40430 (VCV000040430.1), dbSNP rs727503094, ClinGen allele CA296077.